The following is an entry in ClinVar:

ClinVar aggregate classification (germline): Pathogenic/Likely pathogenic. Review status: no assertion criteria provided (0 of 4 stars). 2 submissions from 2 submitters: Pathogenic (1); Likely pathogenic (1). Last evaluated 2010-07-01.

Conditions:
Meckel syndrome, type 2 (MKS2). Also called: MKS2-Related Meckel Syndrome; MECKEL-GRUBER SYNDROME, TYPE 2. Identifiers: Orphanet 564, MedGen C1864148, MONDO:0011296, OMIM 603194.

Submissions (2):

OMIM
Classification: Pathogenic for MECKEL SYNDROME, TYPE 2. Last evaluated: 2010-07-01. Review status: no assertion criteria provided. Collection method: literature only. Allele origin: germline.

Juha Muilu Group; Institute for Molecular Medicine Finland (FIMM)
Classification: Likely pathogenic for Meckel syndrome type 2. Review status: no assertion criteria provided. Collection method: not provided. Allele origin: unknown.
Comment: FinDis database variant: This variant was not found or characterized by our laboratory, data were collected from public sources: see reference
ClinVar note: Converted during submission from probable-pathogenic to Likely pathogenic.

Literature cited by the submitters: PubMed 20512146 (cited by OMIM).

NM_001173990.3(TMEM216):c.341T>G (p.Leu114Arg)

Gene: TMEM216 (transmembrane protein 216; plus strand). Cytogenetic location: 11q12.2.
Variant type: single nucleotide variant.
Coding change: c.341T>G on transcript NM_001173990.3 (MANE Select); coding-DNA position 341, T replaced by G.
Protein change: p.Leu114Arg; replaces leucine 114 with arginine.
Molecular consequence: missense variant.
Genome position (GRCh38, 1-based): chr11:61,397,885, T>G. VCF-style: chr11-61397885-T-G. GRCh37 (hg19) VCF-style: chr11-61165357-T-G.
Other names: c.341T>G, p.Leu114Arg (NM_001173991.3); c.158T>G, p.Leu53Arg (NM_001330285.2, NM_016499.6); short protein forms L114R, L53R.
Identifiers: ClinVar variation 199 (VCV000000199.3), dbSNP rs386833831, ClinGen allele CA114036.